The following is an entry in ClinVar:

NM_001370259.2(MEN1):c.1812G>C (p.Lys604Asn)

Gene: MEN1 (menin 1; minus strand). Cytogenetic location: 11q13.1.
Variant type: single nucleotide variant.
Coding change: c.1812G>C on transcript NM_001370259.2 (MANE Select); coding-DNA position 1812, G replaced by C.
Protein change: p.Lys604Asn; replaces lysine 604 with asparagine.
Molecular consequence: missense variant.
Genome position (GRCh38, 1-based): chr11:64,804,355, C>G on the plus strand (G>C on the coding strand, the complement: MEN1 is on the minus strand). VCF-style: chr11-64804355-C-G. GRCh37 (hg19) VCF-style: chr11-64571827-C-G.
Other names: c.1827G>C, p.Lys609Asn (NM_000244.4, NM_001407145.1, NM_130800.3 and 4 more transcripts); c.1938G>C, p.Lys646Asn (NM_001370251.2, NM_001407142.1, NM_001407143.1 and 1 more transcripts); c.1812G>C, p.Lys604Asn (NM_001370260.2, NM_001370261.2, NM_001407146.1 and 2 more transcripts); c.1707G>C, p.Lys569Asn (NM_001370262.2, NM_001370263.2, NM_001407148.1 and 1 more transcripts); c.1953G>C, p.Lys651Asn (NM_001407150.1); c.1833G>C, p.Lys611Asn (NM_001407151.1); c.1647G>C, p.Lys549Asn (NM_001407152.1); short protein forms K604N, K646N, K651N, K549N, K569N, K609N, K611N.
Identifiers: ClinVar variation 2134642 (VCV002134642.1), dbSNP rs1941485737, ClinGen allele CA381177094.

ClinVar aggregate classification (germline): Uncertain significance (1 of 4 stars; one submission).

Conditions:
Multiple endocrine neoplasia, type 1 (MEN1). Also called: WERMER SYNDROME; Endocrine adenomatosis multiple; MEN 1; MEA I; MEN I. Identifiers: Orphanet 652, MedGen C0025267, MeSH D018761, MONDO:0007540, OMIM 131100.

Submission:

Labcorp Genetics (formerly Invitae), Labcorp
Classification: Uncertain significance for Multiple endocrine neoplasia, type 1. Last evaluated: 2022-05-06. Review status: criteria provided, single submitter. Criteria: Invitae Variant Classification Sherloc (09022015). Collection method: clinical testing. Allele origin: germline.
Comment: This sequence change replaces lysine, which is basic and polar, with asparagine, which is neutral and polar, at codon 604 of the MEN1 protein (p.Lys604Asn). This variant is not present in population databases (gnomAD no frequency). This variant has not been reported in the literature in individuals affected with MEN1-related conditions. Advanced modeling of protein sequence and biophysical properties (such as structural, functional, and spatial information, amino acid conservation, physicochemical variation, residue mobility, and thermodynamic stability) performed at Invitae indicates that this missense variant is expected to disrupt MEN1 protein function. In summary, the available evidence is currently insufficient to determine the role of this variant in disease. Therefore, it has been classified as a Variant of Uncertain Significance.